The following is an entry in ClinVar:

ClinVar aggregate classification (germline): Uncertain significance (1 of 4 stars; one submission).

Allele frequency attached by ClinVar (database versions not stated): gnomAD 0.00001; TOPMed 0.00002; gnomAD exomes below 0.00001.
gnomAD v4.1: 4 of 1,612,896 alleles (0.00025%); highest among the groups gnomAD compares: Non-Finnish European, 0.00034%; no homozygotes.

Submission:

Labcorp Genetics (formerly Invitae), Labcorp
Classification: Uncertain significance. Last evaluated: 2021-10-02. Review status: criteria provided, single submitter. Criteria: Invitae Variant Classification Sherloc (09022015). Collection method: clinical testing. Allele origin: germline.
Comment: This sequence change replaces methionine with valine at codon 302 of the PAX1 protein (p.Met302Val). The methionine residue is highly conserved and there is a small physicochemical difference between methionine and valine. This variant is not present in population databases (ExAC no frequency). This variant has not been reported in the literature in individuals affected with PAX1-related conditions. Algorithms developed to predict the effect of missense changes on protein structure and function (SIFT, PolyPhen-2, Align-GVGD) all suggest that this variant is likely to be tolerated. In summary, the available evidence is currently insufficient to determine the role of this variant in disease. Therefore, it has been classified as a Variant of Uncertain Significance.

NM_001257096.2(PAX1):c.904A>G (p.Met302Val)

Gene: PAX1 (paired box 1; plus strand). Cytogenetic location: 20p11.22.
Variant type: single nucleotide variant.
Coding change: c.904A>G on transcript NM_001257096.2 (MANE Select); coding-DNA position 904, A replaced by G.
Protein change: p.Met302Val; replaces methionine 302 with valine.
Molecular consequence: missense variant.
Genome position (GRCh38, 1-based): chr20:21,707,055, A>G. VCF-style: chr20-21707055-A-G. GRCh37 (hg19) VCF-style: chr20-21687693-A-G.
Other names: c.904A>G, p.Met302Val (NM_006192.5); short protein forms M302V.
Identifiers: ClinVar variation 1423535 (VCV001423535.3), dbSNP rs1461925209, ClinGen allele CA408498950.